The following is an entry in ClinVar:

ClinVar aggregate classification (germline): Uncertain significance (1 of 4 stars; one submission).

Allele frequency attached by ClinVar (database versions not stated): TOPMed below 0.00001; gnomAD 0.00001.
gnomAD v4.1: 1 of 1,610,872 alleles (0.000062%); highest among the groups gnomAD compares: Non-Finnish European, 0.000085%; no homozygotes.

Submission:

Labcorp Genetics (formerly Invitae), Labcorp
Classification: Uncertain significance. Last evaluated: 2021-12-14. Review status: criteria provided, single submitter. Criteria: Invitae Variant Classification Sherloc (09022015). Collection method: clinical testing. Allele origin: germline.
Comment: This variant has not been reported in the literature in individuals affected with LAT-related conditions. This sequence change replaces glutamic acid, which is acidic and polar, with aspartic acid, which is acidic and polar, at codon 182 of the LAT protein (p.Glu182Asp). This variant is not present in population databases (gnomAD no frequency). Algorithms developed to predict the effect of missense changes on protein structure and function output the following: SIFT: "Tolerated"; PolyPhen-2: "Benign"; Align-GVGD: "Class C0". The aspartic acid amino acid residue is found in multiple mammalian species, which suggests that this missense change does not adversely affect protein function. In summary, the available evidence is currently insufficient to determine the role of this variant in disease. Therefore, it has been classified as a Variant of Uncertain Significance.

NM_001014987.2(LAT):c.546A>C (p.Glu182Asp)

Gene: LAT (linker for activation of T cells; plus strand). Cytogenetic location: 16p11.2.
Variant type: single nucleotide variant.
Coding change: c.546A>C on transcript NM_001014987.2 (MANE Select); coding-DNA position 546, A replaced by C.
Protein change: p.Glu182Asp; replaces glutamic acid 182 with aspartic acid.
Molecular consequence: missense variant.
Genome position (GRCh38, 1-based): chr16:28,989,579, A>C. VCF-style: chr16-28989579-A-C. GRCh37 (hg19) VCF-style: chr16-29000900-A-C.
Other names: c.543A>C, p.Glu181Asp (NM_001014988.2); c.654A>C, p.Glu218Asp (NM_001014989.2); c.633A>C, p.Glu211Asp (NM_014387.4); short protein forms E181D, E218D, E211D, E182D.
Identifiers: ClinVar variation 2041419 (VCV002041419.4), dbSNP rs1238528157, ClinGen allele CA395443642.
Genomic context (GRCh38, chr16:28,989,579, plus strand): 5'-TTCCACAGTGGAGTCCATTGATGATTACGTGAACGTTCCGGAGAGCGGGGAGAGCGCAGA[A>C]GCGTCTCTGGGTGAGTGACCGGTGCTTGTCGGTGCCTGCCCCTGCACCCCGCTGCCCCAC-3'
Protein context (NP_001014987.1, residues 172-192): VNVPESGESA[Glu182Asp]ASLDGSREYV